The following is an entry in ClinVar:

NM_175607.3(CNTN4):c.2525G>C (p.Arg842Thr)

Genes: CNTN4 (contactin 4; plus strand), CNTN4-AS1 (CNTN4 antisense RNA 1; minus strand). Cytogenetic location: 3p26.2.
Variant type: single nucleotide variant.
Coding change: c.2525G>C on transcript NM_175607.3 (MANE Select); coding-DNA position 2525, G replaced by C.
Protein change: p.Arg842Thr; replaces arginine 842 with threonine.
Molecular consequence: missense variant. On other transcripts: non-coding transcript variant (1).
Genome position (GRCh38, 1-based): chr3:3,042,990, G>C. VCF-style: chr3-3042990-G-C. GRCh37 (hg19) VCF-style: chr3-3084674-G-C.
Other names: c.2525G>C, p.Arg842Thr (NM_001206955.2, NM_001350095.2); c.1538G>C, p.Arg513Thr (NM_001206956.2); c.1541G>C, p.Arg514Thr (NM_175613.3); short protein forms R513T, R514T, R842T.
Identifiers: ClinVar variation 2632847 (VCV002632847.1), dbSNP rs760166481, ClinGen allele CA2227764.
Genomic context (GRCh38, chr3:3,042,990, plus strand): 5'-ATCCCCATTGGGTATGGTTTCCAAGGTCTTTCTGTTTATCTTCTTAGGTTAAATATTGGA[G>C]ACATGAAGACAAAGAAGAAAATGCTAGAAAAATACGAACAGTTGGAAATCAGACATCAAC-3'
Protein context (NP_783200.1, residues 832-852): RIQGYEVKYW[Arg842Thr]HEDKEENARK

ClinVar aggregate classification (germline): Uncertain significance (1 of 4 stars; one submission).

Conditions:
CNTN4-related disorder. Also called: CNTN4-related condition.

Allele frequency attached by ClinVar (database versions not stated): gnomAD 0.00003; TOPMed 0.00003.
gnomAD v4.1: 7 of 1,613,536 alleles (0.00043%); highest among the groups gnomAD compares: African/African-American, 0.0053%; no homozygotes.

Submission:

PreventionGenetics, part of Exact Sciences
Classification: Uncertain significance for CNTN4-related condition. Last evaluated: 2023-05-09. Review status: criteria provided, single submitter. Criteria: ACMG Guidelines, 2015. Collection method: clinical testing. Allele origin: germline.
Comment: The CNTN4 c.2525G>C variant is predicted to result in the amino acid substitution p.Arg842Thr. To our knowledge, this variant has not been reported in the literature. This variant is reported in 0.018% of alleles in individuals of African descent in gnomAD. At this time, the clinical significance of this variant is uncertain due to the absence of conclusive functional and genetic evidence.